The following is an entry in ClinVar:

NM_015215.4(CAMTA1):c.3118G>A (p.Val1040Met)

Gene: CAMTA1 (calmodulin binding transcription activator 1; plus strand). Cytogenetic location: 1p36.23.
Variant type: single nucleotide variant.
Coding change: c.3118G>A on transcript NM_015215.4 (MANE Select); coding-DNA position 3118, G replaced by A.
Protein change: p.Val1040Met; replaces valine 1040 with methionine.
Molecular consequence: missense variant.
Genome position (GRCh38, 1-based): chr1:7,736,395, G>A. VCF-style: chr1-7736395-G-A. GRCh37 (hg19) VCF-style: chr1-7796455-G-A.
Other names: c.3028G>A, p.Val1010Met (NM_001349608.2, NM_001349612.2); c.3118G>A, p.Val1040Met (NM_001349609.2, NM_001349610.2, NM_001410737.1); c.247G>A, p.Val83Met (NM_001349613.1); c.190G>A, p.Val64Met (NM_001349614.1, NM_001349615.2, NM_001349616.2 and 10 more transcripts); c.3046G>A, p.Val1016Met (NM_001410738.1); short protein forms V1010M, V1016M, V1040M, V64M, V83M.
Identifiers: ClinVar variation 3731334 (VCV003731334.1).

ClinVar aggregate classification (germline): Uncertain significance (1 of 4 stars; one submission).

Conditions:
Cerebellar dysfunction with variable cognitive and behavioral abnormalities (CECBA). Also called: Nonprogressive cerebellar atxia with intellectual disability. Identifiers: Orphanet 314647, MedGen C3553661, MONDO:0013886, OMIM 614756.

gnomAD v4.1: 16 of 1,614,004 alleles (0.00099%); highest among the groups gnomAD compares: Admixed American, 0.0017%; no homozygotes.

Submission:

Neuberg Centre For Genomic Medicine, NCGM
Classification: Uncertain significance for Cerebellar dysfunction with variable cognitive and behavioral abnormalities. Last evaluated: 2023-06-22. Review status: criteria provided, single submitter. Criteria: ACMG Guidelines, 2015. Collection method: clinical testing. Allele origin: germline. Inheritance: Autosomal dominant inheritance. Affected: yes.
Comment: The missense c.3118G>A (p.Val1040Met) variant in the CAMTA1 gene has not been reported previously as a pathogenic variant nor as a benign variant, to our knowledge. This variant is reported with the allele frequency 0.001% in the gnomAD Exomes. The amino acid Valine at position 1040 is changed to a Methionine changing protein sequence and it might alter its composition and physico-chemical properties. Multiple lines of computational evidence (Polyphen - Damaging, SIFT – Damaging and MutationTaster - Disease causing) predict a damaging effect on protein structure and function for this variant. The Valine residue is conserved by GERP++ and PhyloP across 100 vertebrates. For these reasons, this variant has been classified as Uncertain Significance.